The following is an entry in ClinVar:

NM_000214.3(JAG1):c.722A>G (p.Lys241Arg)

Gene: JAG1 (jagged canonical Notch ligand 1; minus strand). Cytogenetic location: 20p12.2.
Variant type: single nucleotide variant.
Coding change: c.722A>G on transcript NM_000214.3 (MANE Select); coding-DNA position 722, A replaced by G.
Protein change: p.Lys241Arg; replaces lysine 241 with arginine.
Molecular consequence: missense variant.
Genome position (GRCh38, 1-based): chr20:10,656,431, T>C on the plus strand (A>G on the coding strand, the complement: JAG1 is on the minus strand). VCF-style: chr20-10656431-T-C. GRCh37 (hg19) VCF-style: chr20-10637079-T-C.
Other names: c.722A>G, p.Lys241Arg (LRG_1191t1); short protein forms K241R.
Identifiers: ClinVar variation 536528 (VCV000536528.8), dbSNP rs1405610551, ClinGen allele CA408239810.
Genomic context (GRCh38, chr20:10,656,431, plus strand): 5'-AATCTCACAAAAGACCAGTTGATTTACCTGCAGTCACCTGGGAGTTTGCAAGACCCATGC[T>C]TAGGACTGCAGCCTTGTCGGCAAATAGCTGTAAAAAACAGAGAAGGGCGTGTCAGCACAC-3'
Protein context (NP_000205.1, residues 231-251): RAICRQGCSP[Lys241Arg]HGSCKLPGDC

ClinVar aggregate classification (germline): Uncertain significance. Review status: criteria provided, multiple submitters, no conflicts (2 of 4 stars). 3 submissions from 3 submitters: Uncertain significance (3). Last evaluated 2026-02-01.

Conditions:
Alagille syndrome due to a JAG1 point mutation. Also called: JAG1-Related Alagille Syndrome; Alagille Syndrome 1; HEPATIC DUCTULAR HYPOPLASIA, SYNDROMATIC. Identifiers: Orphanet 261619, Orphanet 52, MedGen C1956125, MONDO:0016862, OMIM 118450.

Allele frequency attached by ClinVar (database versions not stated): TOPMed below 0.00001; gnomAD 0.00001.
gnomAD v4.1: 2 of 1,613,946 alleles (0.00012%); highest among the groups gnomAD compares: Non-Finnish European, 0.00017%; no homozygotes.

Submissions (3):

Labcorp Genetics (formerly Invitae), Labcorp
Classification: Uncertain significance for Alagille syndrome due to a JAG1 point mutation. Last evaluated: 2026-02-01. Review status: criteria provided, single submitter. Criteria: Invitae Variant Classification Sherloc (09022015). Collection method: clinical testing. Allele origin: germline.
Comment: This sequence change replaces lysine, which is basic and polar, with arginine, which is basic and polar, at codon 241 of the JAG1 protein (p.Lys241Arg). This variant is not present in population databases (gnomAD no frequency). This variant has not been reported in the literature in individuals affected with JAG1-related conditions. ClinVar contains an entry for this variant (Variation ID: 536528). Invitae Evidence Modeling of protein sequence and biophysical properties (such as structural, functional, and spatial information, amino acid conservation, physicochemical variation, residue mobility, and thermodynamic stability) indicates that this missense variant is not expected to disrupt JAG1 protein function with a negative predictive value of 95%. In summary, the available evidence is currently insufficient to determine the role of this variant in disease. Therefore, it has been classified as a Variant of Uncertain Significance.

Blueprint Genetics
Classification: Uncertain significance. Last evaluated: 2019-02-21. Review status: criteria provided, single submitter. Criteria: ACMG Guidelines, 2015. Collection method: clinical testing. Allele origin: germline.

Breakthrough Genomics
Classification: Uncertain significance. Review status: criteria provided, single submitter. Criteria: ACMG Guidelines, 2015. Collection method: not provided. Allele origin: germline. Inheritance: Autosomal dominant inheritance. Affected: yes.